The following is an entry in ClinVar:

NM_002907.4(RECQL):c.815A>C (p.Glu272Ala)

Gene: RECQL (RecQ like helicase; minus strand). Cytogenetic location: 12p12.1.
Variant type: single nucleotide variant.
Coding change: c.815A>C on transcript NM_002907.4 (MANE Select); coding-DNA position 815, A replaced by C.
Protein change: p.Glu272Ala; replaces glutamic acid 272 with alanine.
Molecular consequence: missense variant.
Genome position (GRCh38, 1-based): chr12:21,477,855, T>G on the plus strand (A>C on the coding strand, the complement: RECQL is on the minus strand). VCF-style: chr12-21477855-T-G. GRCh37 (hg19) VCF-style: chr12-21630789-T-G.
Other names: c.815A>C, p.Glu272Ala (NM_032941.3); short protein forms E272A.
Identifiers: ClinVar variation 4863122 (VCV004863122.1).

ClinVar aggregate classification (germline): Uncertain significance (1 of 4 stars; one submission).

Submission:

Ambry Genetics
Classification: Uncertain significance. Last evaluated: 2026-05-01. Review status: criteria provided, single submitter. Criteria: Ambry Variant Classification Scheme 2023. Collection method: clinical testing. Allele origin: germline.
Comment: The p.E272A variant (also known as c.815A>C), located in coding exon 6 of the RECQL gene, results from an A to C substitution at nucleotide position 815. The glutamic acid at codon 272 is replaced by alanine, an amino acid with dissimilar properties. This amino acid position is conserved. In addition, this alteration is predicted to be tolerated by in silico analysis. Based on the available evidence, the clinical significance of this variant remains unclear.